The following is an entry in ClinVar:

NM_012073.5(CCT5):c.271A>G (p.Met91Val)

Gene: CCT5 (chaperonin containing TCP1 subunit 5; plus strand). Cytogenetic location: 5p15.2.
Variant type: single nucleotide variant.
Coding change: c.271A>G on transcript NM_012073.5 (MANE Select); coding-DNA position 271, A replaced by G.
Protein change: p.Met91Val; replaces methionine 91 with valine.
Molecular consequence: missense variant. On other transcripts: intron variant (2).
Genome position (GRCh38, 1-based): chr5:10,254,778, A>G. VCF-style: chr5-10254778-A-G. GRCh37 (hg19) VCF-style: chr5-10254890-A-G.
Other names: c.208A>G, p.Met70Val (NM_001306153.1); c.157A>G, p.Met53Val (NM_001306156.2); c.166+573A>G (NM_001306154.2); c.52+573A>G (NM_001306155.2); short protein forms M70V, M53V, M91V.
Identifiers: ClinVar variation 1039017 (VCV001039017.8), dbSNP rs1745593343, ClinGen allele CA359180690.
Genomic context (GRCh38, chr5:10,254,778, plus strand): 5'-ACTAATGATGGGGCCACCATCTTAAGCATGATGGATGTTGATCATCAGATTGCCAAGCTG[A>G]TGGTGGAACTGTCCAAGTCTCAGGATGATGAAATTGGAGATGGAACCACAGGAGTGGTTG-3'
Protein context (NP_036205.1, residues 81-101): MDVDHQIAKL[Met91Val]VELSKSQDDE

ClinVar aggregate classification (germline): Uncertain significance (1 of 4 stars; one submission).

Conditions:
Hereditary sensory and autonomic neuropathy with spastic paraplegia (HSNSP). Identifiers: Orphanet 139578, MedGen C1850395, MONDO:0009748, OMIM 256840.

Submission:

Labcorp Genetics (formerly Invitae), Labcorp
Classification: Uncertain significance for Hereditary sensory and autonomic neuropathy with spastic paraplegia. Last evaluated: 2022-03-09. Review status: criteria provided, single submitter. Criteria: Invitae Variant Classification Sherloc (09022015). Collection method: clinical testing. Allele origin: germline.
Comment: This sequence change replaces methionine, which is neutral and non-polar, with valine, which is neutral and non-polar, at codon 91 of the CCT5 protein (p.Met91Val). This variant is not present in population databases (gnomAD no frequency). This variant has not been reported in the literature in individuals affected with CCT5-related conditions. ClinVar contains an entry for this variant (Variation ID: 1039017). Algorithms developed to predict the effect of missense changes on protein structure and function are either unavailable or do not agree on the potential impact of this missense change (SIFT: "Deleterious"; PolyPhen-2: "Possibly Damaging"; Align-GVGD: "Class C0"). In summary, the available evidence is currently insufficient to determine the role of this variant in disease. Therefore, it has been classified as a Variant of Uncertain Significance.